The following is an entry in ClinVar:

NM_020207.7(ERCC6L2):c.427G>T (p.Gly143Trp)

Gene: ERCC6L2 (ERCC excision repair 6 like 2; plus strand). Cytogenetic location: 9q22.32.
Variant type: single nucleotide variant.
Coding change: c.427G>T on transcript NM_020207.7 (MANE Select); coding-DNA position 427, G replaced by T.
Protein change: p.Gly143Trp; replaces glycine 143 with tryptophan.
Molecular consequence: missense variant. On other transcripts: non-coding transcript variant (1).
Genome position (GRCh38, 1-based): chr9:95,881,249, G>T. VCF-style: chr9-95881249-G-T. GRCh37 (hg19) VCF-style: chr9-98643531-G-T.
Other names: c.427G>T, p.Gly143Trp (NM_001010895.4, NM_001375291.1, NM_001375292.1 and 2 more transcripts); short protein forms G143W.
Identifiers: ClinVar variation 3510032 (VCV003510032.1).

ClinVar aggregate classification (germline): Uncertain significance (1 of 4 stars; one submission).

Conditions:
Inborn genetic diseases. Identifiers: MedGen C0950123, MeSH D030342.

gnomAD v4.1: 1 of 1,583,516 alleles (0.000063%); highest among the groups gnomAD compares: Non-Finnish European, 0.000085%; no homozygotes.

Submission:

Ambry Genetics
Classification: Uncertain significance for Inborn genetic diseases. Last evaluated: 2024-12-09. Review status: criteria provided, single submitter. Criteria: Ambry Variant Classification Scheme 2023. Collection method: clinical testing. Allele origin: germline.
Comment: The p.G143W variant (also known as c.427G>T), located in coding exon 2 of the ERCC6L2 gene, results from a G to T substitution at nucleotide position 427. The glycine at codon 143 is replaced by tryptophan, an amino acid with highly dissimilar properties. This amino acid position is conserved. In addition, this alteration is predicted to be deleterious by in silico analysis. Based on the available evidence, the clinical significance of this variant remains unclear.